The following is an entry in ClinVar:

NM_006904.7(PRKDC):c.5986G>A (p.Val1996Ile)

Gene: PRKDC (protein kinase, DNA-activated, catalytic subunit; minus strand). Cytogenetic location: 8q11.21.
Variant type: single nucleotide variant.
Coding change: c.5986G>A on transcript NM_006904.7 (MANE Select); coding-DNA position 5986, G replaced by A.
Protein change: p.Val1996Ile; replaces valine 1996 with isoleucine.
Molecular consequence: missense variant.
Genome position (GRCh38, 1-based): chr8:47,860,971, C>T on the plus strand (G>A on the coding strand, the complement: PRKDC is on the minus strand). VCF-style: chr8-47860971-C-T. GRCh37 (hg19) VCF-style: chr8-48773532-C-T.
Other names: c.5986G>A, p.Val1996Ile (NM_001081640.2); short protein forms V1996I.
Identifiers: ClinVar variation 1478228 (VCV001478228.4), dbSNP rs768367219, ClinGen allele CA4740504.
Genomic context (GRCh38, chr8:47,860,971, plus strand): 5'-TTGCTGCTTCTCTGGCTTCTTTCCTAATTTCAATGTACTTTTTCTTTCTTTCCATAGGAA[C>T]CTATTGGGAAGAACAAATAAACAATGTAAAACATTTTATAATAATAGTGATACTTTTTCT-3'
Protein context (NP_008835.5, residues 1986-2006): RRYNFPVEVE[Val1996Ile]PMERKKKYIE

ClinVar aggregate classification (germline): Uncertain significance (1 of 4 stars; one submission).

Conditions:
Severe combined immunodeficiency due to DNA-PKcs deficiency. Also called: IMMUNODEFICIENCY 26 WITH NEUROLOGIC ABNORMALITIES; Immunodeficiency 26 with or without neurologic abnormalities. Identifiers: Orphanet 317425, MedGen C4014833, MONDO:0014423, OMIM 615966.

Allele frequency attached by ClinVar (database versions not stated): ExAC 0.00001; gnomAD exomes 0.00001 and 0.00002; TOPMed 0.00002; gnomAD 0.00006.
gnomAD v4.1: 24 of 1,586,016 alleles (0.0015%); highest among the groups gnomAD compares: Admixed American, 0.017%; no homozygotes.

Submission:

Labcorp Genetics (formerly Invitae), Labcorp
Classification: Uncertain significance for Severe combined immunodeficiency due to DNA-PKcs deficiency. Last evaluated: 2021-02-19. Review status: criteria provided, single submitter. Criteria: Invitae Variant Classification Sherloc (09022015). Collection method: clinical testing. Allele origin: germline.
Comment: In summary, the available evidence is currently insufficient to determine the role of this variant in disease. Therefore, it has been classified as a Variant of Uncertain Significance. Experimental studies and prediction algorithms are not available or were not evaluated, and the functional significance of this variant is currently unknown. This variant has not been reported in the literature in individuals with PRKDC-related conditions. This variant is present in population databases (rs768367219, ExAC 0.003%). This sequence change replaces valine with isoleucine at codon 1996 of the PRKDC protein (p.Val1996Ile). The valine residue is highly conserved and there is a small physicochemical difference between valine and isoleucine.